The following is an entry in ClinVar:

NM_000535.7(PMS2):c.2164A>G (p.Arg722Gly)

Gene: PMS2 (PMS1 homolog 2, mismatch repair system component; minus strand). Cytogenetic location: 7p22.1.
Variant type: single nucleotide variant.
Coding change: c.2164A>G on transcript NM_000535.7 (MANE Select); coding-DNA position 2164, A replaced by G.
Protein change: p.Arg722Gly; replaces arginine 722 with glycine.
Molecular consequence: missense variant. On other transcripts: non-coding transcript variant (1).
Genome position (GRCh38, 1-based): chr7:5,982,834, T>C on the plus strand (A>G on the coding strand, the complement: PMS2 is on the minus strand). VCF-style: chr7-5982834-T-C. GRCh37 (hg19) VCF-style: chr7-6022465-T-C.
Other names: c.1759A>G, p.Arg587Gly (NM_001322003.2, NM_001322004.2, NM_001322005.2 and 1 more transcripts); c.2008A>G, p.Arg670Gly (NM_001322006.2); c.1846A>G, p.Arg616Gly (NM_001322007.2, NM_001322008.2); c.1603A>G, p.Arg535Gly (NM_001322010.2); c.1231A>G, p.Arg411Gly (NM_001322011.2, NM_001322012.2); c.1591A>G, p.Arg531Gly (NM_001322013.2); c.2164A>G, p.Arg722Gly (NM_001322014.2); c.1855A>G, p.Arg619Gly (NM_001322015.2); short protein forms R411G, R531G, R535G, R587G, R616G, R722G, R619G, R670G.
Identifiers: ClinVar variation 654604 (VCV000654604.14), dbSNP rs1284646352, ClinGen allele CA366737858.

ClinVar aggregate classification (germline): Uncertain significance. Review status: criteria provided, multiple submitters, no conflicts (2 of 4 stars). 5 submissions from 5 submitters: Uncertain significance (5). Last evaluated 2026-01-05.

Conditions:
Hereditary nonpolyposis colorectal neoplasms. Identifiers: MedGen C0009405, MeSH D003123.
Hereditary cancer-predisposing syndrome. Also called: Hereditary neoplastic syndrome; Tumor predisposition; Neoplastic Syndromes, Hereditary; Hereditary Cancer Syndrome. Identifiers: Orphanet 140162, MedGen C0027672, MeSH D009386, MONDO:0015356.
Lynch syndrome 4 (LYNCH4). Also called: Hereditary non-polyposis colorectal cancer, type 4; Colorectal cancer, hereditary nonpolyposis, type 4. Identifiers: Orphanet 144, MedGen C1838333, MONDO:0013699, OMIM 614337. Disease mechanism: loss of function.

Allele frequency attached by ClinVar (database versions not stated): gnomAD exomes below 0.00001; gnomAD 0.00001.

Submissions (5):

Labcorp Genetics (formerly Invitae), Labcorp
Classification: Uncertain significance for Hereditary nonpolyposis colorectal neoplasms. Last evaluated: 2026-01-05. Review status: criteria provided, single submitter. Criteria: Invitae Variant Classification Sherloc (09022015). Collection method: clinical testing. Allele origin: germline.
Comment: This sequence change replaces arginine, which is basic and polar, with glycine, which is neutral and non-polar, at codon 722 of the PMS2 protein (p.Arg722Gly). The frequency data for this variant in the population databases (gnomAD) is considered unreliable due to the presence of homologous sequence, such as pseudogenes or paralogs, in the genome. This variant has not been reported in the literature in individuals affected with PMS2-related conditions. ClinVar contains an entry for this variant (Variation ID: 654604). Invitae Evidence Modeling incorporating data from in vitro experimental studies (internal data) indicates that this missense variant is not expected to disrupt PMS2 function with a negative predictive value of 95%. In summary, the available evidence is currently insufficient to determine the role of this variant in disease. Therefore, it has been classified as a Variant of Uncertain Significance.

GeneDx
Classification: Uncertain significance. Last evaluated: 2024-08-05. Review status: criteria provided, single submitter. Criteria: GeneDx Variant Classification Process June 2021. Collection method: clinical testing. Allele origin: germline. Affected: yes.
Comment: Not observed at significant frequency in large population cohorts (gnomAD); In silico analysis supports that this missense variant has a deleterious effect on protein structure/function; Has not been previously published as pathogenic or benign to our knowledge; This variant is associated with the following publications: (PMID: Fukui2011[Chapter])

Color Diagnostics, LLC DBA Color Health
Classification: Uncertain significance for Hereditary cancer-predisposing syndrome. Last evaluated: 2024-04-01. Review status: criteria provided, single submitter. Criteria: ACMG Guidelines, 2015. Collection method: clinical testing. Allele origin: germline.
Comment: This missense variant replaces arginine with glycine at codon 722 of the PMS2 protein. Computational prediction is inconclusive regarding the impact of this variant on protein structure and function (internally defined REVEL score threshold 0.5 < inconclusive < 0.7, PMID: 27666373). To our knowledge, functional studies have not been reported for this variant. This variant has not been reported in individuals affected with PMS2-related disorders in the literature. This variant has been identified in 1/237182 chromosomes in the general population by the Genome Aggregation Database (gnomAD). The available evidence is insufficient to determine the role of this variant in disease conclusively. Therefore, this variant is classified as a Variant of Uncertain Significance.

Baylor Genetics
Classification: Uncertain significance for Lynch syndrome 4. Last evaluated: 2023-09-07. Review status: criteria provided, single submitter. Criteria: ACMG Guidelines, 2015. Collection method: clinical testing. Allele origin: unknown.

Ambry Genetics
Classification: Uncertain significance for Hereditary cancer-predisposing syndrome. Last evaluated: 2021-09-16. Review status: criteria provided, single submitter. Criteria: Ambry Variant Classification Scheme 2023. Collection method: clinical testing. Allele origin: germline.
Comment: The p.R722G variant (also known as c.2164A>G), located in coding exon 12 of the PMS2 gene, results from an A to G substitution at nucleotide position 2164. The arginine at codon 722 is replaced by glycine, an amino acid with dissimilar properties. This amino acid position is not well conserved in available vertebrate species. In addition, the in silico prediction for this alteration is inconclusive. Since supporting evidence is limited at this time, the clinical significance of this alteration remains unclear.